The following is an entry in ClinVar:

ClinVar aggregate classification (germline): Likely pathogenic (1 of 4 stars; one submission).

Conditions:
Cohen syndrome (COH1). Also called: PEPPER SYNDROME; Cutis verticis gyrata, retinitis pigmentosa, and sensorineural deafness. Identifiers: Orphanet 193, MedGen C0265223, MONDO:0008999, OMIM 216550.

Submission:

Natera, Inc.
Classification: Likely pathogenic for Cohen syndrome. Last evaluated: 2025-12-03. Review status: criteria provided, single submitter. Criteria: Natera Variant Classification Schema (03/2026). Collection method: clinical testing. Allele origin: germline.
Comment: The c.808C>T variant in VPS13B is a nonsense variant predicted to introduce a stop codon at amino acid 270. This variant is expected to result in nonsense mediated decay, truncation, or a dysfunctional protein product. This variant is rare in the general population with a frequency below the threshold expected for the associated phenotype(s). Given the available evidence, this variant is classified as Likely Pathogenic.

NM_152564.5(VPS13B):c.808C>T (p.Gln270Ter)

Gene: VPS13B (vacuolar protein sorting 13 homolog B; plus strand). Cytogenetic location: 8q22.2.
Variant type: single nucleotide variant.
Coding change: c.808C>T on transcript NM_152564.5 (MANE Select); coding-DNA position 808, C replaced by T.
Protein change: p.Gln270Ter; replaces glutamine 270 with a stop codon.
Molecular consequence: nonsense. On other transcripts: non-coding transcript variant (1).
Genome position (GRCh38, 1-based): chr8:99,115,745, C>T. VCF-style: chr8-99115745-C-T. GRCh37 (hg19) VCF-style: chr8-100127973-C-T.
Other names: c.808C>T, p.Gln270Ter (NM_017890.5, NM_181661.3, NM_015243.3); short protein forms Q270*.
Identifiers: ClinVar variation 4815977 (VCV004815977.1).